The following is an entry in ClinVar:

ClinVar aggregate classification (germline): Pathogenic (0 of 4 stars; one submission).

Conditions:
Dyskeratosis congenita, autosomal dominant 1 (DKCA1). Also called: Dyskeratosis congenita Scoggins type. Identifiers: Orphanet 1775, MedGen C4551974, MONDO:0007485, OMIM 127550. Inheritance: Variable.

Submission:

GeneReviews
Classification: Pathogenic for Dyskeratosis Congenita. Last evaluated: 2012-05-10. Review status: no assertion criteria provided. Collection method: curation. Allele origin: unknown.
ClinVar note: Converted during submission from pathologic to Pathogenic.

NR_001566.3(TERC):n.96_97delCT

Genes: TERC (telomerase RNA component; minus strand), LOC110806306 (telomerase RNA component (TERC) promoter; plus strand). Cytogenetic location: 3q26.2.
Variant type: Deletion.
Genome position: GRCh38 VCF-style: chr3-169764963-CAG-C. GRCh37 (hg19) VCF-style: chr3-169482751-CAG-C.
Other names: NR_001566.1:r.96-97delcu.
Identifiers: ClinVar variation 39301 (VCV000039301.3), dbSNP rs199422267, ClinGen allele CA343772.
Genomic context (GRCh38, chr3:169,764,963, plus strand): 5'-ATGAACGGTGGAAGGCGGCAGGCCGAGGCTTTTCCGCCCGCTGAAAGTCAGCGAGAAAAA[CAG>C]CGCGCGGGGAGCAAAAGCACGGCGCCTACGCCCTTCTCAGTTAGGGTTAGACAAAAAATG-3'